The following is an entry in ClinVar:

ClinVar aggregate classification (germline): Uncertain significance. Review status: criteria provided, multiple submitters, no conflicts (2 of 4 stars). 2 submissions from 2 submitters: Uncertain significance (2). Last evaluated 2026-03-21.

Conditions:
Cardiovascular phenotype. Identifiers: MedGen CN230736.
Brugada syndrome. Also called: Sudden Unexplained Death Syndrome; Sudden Unexplained Nocturnal Death Syndrome (SUNDS); Sudden unexpected nocturnal death syndrome; Sudden unexplained nocturnal death syndrome. Identifiers: Orphanet 130, MedGen C1142166, MONDO:0015263.

Allele frequency attached by ClinVar (database versions not stated): gnomAD exomes below 0.00001; ExAC 0.00002.
gnomAD v4.1: 7 of 1,614,196 alleles (0.00043%); highest among the groups gnomAD compares: Non-Finnish European, 0.00059%; no homozygotes.

Submissions (2):

Ambry Genetics
Classification: Uncertain significance for Cardiovascular phenotype. Last evaluated: 2026-03-21. Review status: criteria provided, single submitter. Criteria: Ambry Variant Classification Scheme 2023. Collection method: clinical testing. Allele origin: germline.
Comment: The p.D1930N variant (also known as c.5788G>A), located in coding exon 27 of the SCN10A gene, results from a G to A substitution at nucleotide position 5788. The aspartic acid at codon 1930 is replaced by asparagine, an amino acid with highly similar properties. This amino acid position is conserved. In addition, this alteration is predicted to be tolerated by in silico analysis. Based on the available evidence, the clinical significance of this variant remains unclear.

Labcorp Genetics (formerly Invitae), Labcorp
Classification: Uncertain significance for Brugada syndrome. Last evaluated: 2023-03-15. Review status: criteria provided, single submitter. Criteria: Invitae Variant Classification Sherloc (09022015). Collection method: clinical testing. Allele origin: germline.
Comment: In summary, the available evidence is currently insufficient to determine the role of this variant in disease. Therefore, it has been classified as a Variant of Uncertain Significance. Advanced modeling of protein sequence and biophysical properties (such as structural, functional, and spatial information, amino acid conservation, physicochemical variation, residue mobility, and thermodynamic stability) performed at Invitae indicates that this missense variant is not expected to disrupt SCN10A protein function. This variant has not been reported in the literature in individuals affected with SCN10A-related conditions. This variant is present in population databases (rs755530255, gnomAD 0.002%). This sequence change replaces aspartic acid, which is acidic and polar, with asparagine, which is neutral and polar, at codon 1930 of the SCN10A protein (p.Asp1930Asn).

NM_006514.4(SCN10A):c.5788G>A (p.Asp1930Asn)

Gene: SCN10A (sodium voltage-gated channel alpha subunit 10; minus strand). Cytogenetic location: 3p22.2.
Variant type: single nucleotide variant.
Coding change: c.5788G>A on transcript NM_006514.4 (MANE Select); coding-DNA position 5788, G replaced by A.
Protein change: p.Asp1930Asn; replaces aspartic acid 1930 with asparagine.
Molecular consequence: missense variant.
Genome position (GRCh38, 1-based): chr3:38,697,432, C>T on the plus strand (G>A on the coding strand, the complement: SCN10A is on the minus strand). VCF-style: chr3-38697432-C-T. GRCh37 (hg19) VCF-style: chr3-38738923-C-T.
Other names: c.5785G>A, p.Asp1929Asn (NM_001293306.2); c.5494G>A, p.Asp1832Asn (NM_001293307.2); c.5788G>A (NM_006514.2); short protein forms D1929N, D1930N, D1832N.
Identifiers: ClinVar variation 2803475 (VCV002803475.4), dbSNP rs755530255, ClinGen allele CA2319596.